The following is an entry in ClinVar:

NM_000310.4(PPT1):c.18C>A (p.Cys6Ter)

Gene: PPT1 (palmitoyl-protein thioesterase 1; minus strand). Cytogenetic location: 1p34.2.
Variant type: single nucleotide variant.
Coding change: c.18C>A on transcript NM_000310.4 (MANE Select); coding-DNA position 18, C replaced by A.
Protein change: p.Cys6Ter; replaces cysteine 6 with a stop codon.
Molecular consequence: nonsense.
Genome position (GRCh38, 1-based): chr1:40,097,221, G>T on the plus strand (C>A on the coding strand, the complement: PPT1 is on the minus strand). VCF-style: chr1-40097221-G-T. GRCh37 (hg19) VCF-style: chr1-40562893-G-T.
Other names: c.18C>A, p.Cys6Ter (NM_001142604.2, NM_001363695.2); short protein forms C6*.
Identifiers: ClinVar variation 3728105 (VCV003728105.3).

ClinVar aggregate classification (germline): Pathogenic/Likely pathogenic. Review status: criteria provided, multiple submitters, no conflicts (2 of 4 stars). 2 submissions from 2 submitters: Pathogenic (1); Likely pathogenic (1). Last evaluated 2025-08-06.

Conditions:
Neuronal ceroid lipofuscinosis 1 (CLN1). Also called: PPT1-Related Neuronal Ceroid-Lipofuscinosis; CEROID LIPOFUSCINOSIS, NEURONAL, 1, VARIABLE AGE AT ONSET. Identifiers: Orphanet 228329, MedGen C1850451, MONDO:0009744, OMIM 256730.

gnomAD v4.1: 3 of 1,613,970 alleles (0.00019%); highest among the groups gnomAD compares: South Asian, 0.0022%; no homozygotes.

Submissions (2):

Natera, Inc.
Classification: Likely pathogenic for Neuronal ceroid lipofuscinosis 1. Last evaluated: 2025-08-06. Review status: criteria provided, single submitter. Criteria: Natera Variant Classification Schema (03/2026). Collection method: clinical testing. Allele origin: germline.
Comment: The c.18C>A variant in PPT1 is a nonsense variant predicted to introduce a stop codon at amino acid 6. This variant is expected to result in nonsense mediated decay, truncation, or a dysfunctional protein product. This variant is rare in the general population with a frequency below the threshold expected for the associated phenotype(s). Given the available evidence, this variant is classified as Likely Pathogenic.

Labcorp Genetics (formerly Invitae), Labcorp
Classification: Pathogenic for Neuronal ceroid lipofuscinosis 1. Last evaluated: 2024-12-26. Review status: criteria provided, single submitter. Criteria: Invitae Variant Classification Sherloc (09022015). Collection method: clinical testing. Allele origin: germline.
Comment: This sequence change creates a premature translational stop signal (p.Cys6*) in the PPT1 gene. It is expected to result in an absent or disrupted protein product. Loss-of-function variants in PPT1 are known to be pathogenic (PMID: 10679943, 21990111). This variant is not present in population databases (gnomAD no frequency). This variant has not been reported in the literature in individuals affected with PPT1-related conditions. For these reasons, this variant has been classified as Pathogenic.

Literature cited by the submitters: PubMed 10679943 (cited by Labcorp Genetics (formerly Invitae), Labcorp); PubMed 21990111 (cited by Labcorp Genetics (formerly Invitae), Labcorp).